The following is an entry in ClinVar:

ClinVar aggregate classification (germline): Uncertain significance (1 of 4 stars; one submission).

Submission:

GeneDx
Classification: Uncertain significance. Last evaluated: 2022-02-24. Review status: criteria provided, single submitter. Criteria: GeneDx Variant Classification Process June 2021. Collection method: clinical testing. Allele origin: germline. Affected: yes.
Comment: Not observed at significant frequency in large population cohorts (gnomAD); In silico analysis supports that this missense variant has a deleterious effect on protein structure/function; Has not been previously published as pathogenic or benign to our knowledge

NM_177550.5(SLC13A5):c.161T>A (p.Ile54Asn)

Gene: SLC13A5 (solute carrier family 13 member 5; minus strand). Cytogenetic location: 17p13.1.
Variant type: single nucleotide variant.
Coding change: c.161T>A on transcript NM_177550.5 (MANE Select); coding-DNA position 161, T replaced by A.
Protein change: p.Ile54Asn; replaces isoleucine 54 with asparagine.
Molecular consequence: missense variant. On other transcripts: intron variant (1).
Genome position (GRCh38, 1-based): chr17:6,707,098, A>T on the plus strand (T>A on the coding strand, the complement: SLC13A5 is on the minus strand). VCF-style: chr17-6707098-A-T. GRCh37 (hg19) VCF-style: chr17-6610417-A-T.
Other names: c.161T>A, p.Ile54Asn (NM_001143838.3, NM_001284509.2); c.103-320T>A (NM_001284510.2); short protein forms I54N.
Identifiers: ClinVar variation 1703364 (VCV001703364.2), dbSNP rs1367787065, ClinGen allele CA397751739.